The following is an entry in ClinVar:

ClinVar aggregate classification (germline): Uncertain significance (1 of 4 stars; one submission).

Conditions:
Saldino-Mainzer syndrome (SRTD9). Also called: short-rib thoracic dysplasia 9 with or without polydactyly; CONORENAL SYNDROME; Renal dysplasia, retinal pigmentary dystrophy, cerebellar ataxia and skeletal dysplasia; SHORT-RIB THORACIC DYSPLASIA 9 WITHOUT POLYDACTYLY. Identifiers: Orphanet 140969, MedGen C1849437, MONDO:0009964, OMIM 266920.

Submission:

Labcorp Genetics (formerly Invitae), Labcorp
Classification: Uncertain significance for Saldino-Mainzer syndrome. Last evaluated: 2022-03-31. Review status: criteria provided, single submitter. Criteria: Invitae Variant Classification Sherloc (09022015). Collection method: clinical testing. Allele origin: germline.
Comment: In summary, the available evidence is currently insufficient to determine the role of this variant in disease. Therefore, it has been classified as a Variant of Uncertain Significance. Algorithms developed to predict the effect of missense changes on protein structure and function (SIFT, PolyPhen-2, Align-GVGD) all suggest that this variant is likely to be tolerated. This variant has not been reported in the literature in individuals affected with IFT140-related conditions. This variant is not present in population databases (gnomAD no frequency). This sequence change replaces glutamic acid, which is acidic and polar, with lysine, which is basic and polar, at codon 709 of the IFT140 protein (p.Glu709Lys).

NM_014714.4(IFT140):c.2125G>A (p.Glu709Lys)

Gene: IFT140 (intraflagellar transport 140; minus strand). Cytogenetic location: 16p13.3.
Variant type: single nucleotide variant.
Coding change: c.2125G>A on transcript NM_014714.4 (MANE Select); coding-DNA position 2125, G replaced by A.
Protein change: p.Glu709Lys; replaces glutamic acid 709 with lysine.
Molecular consequence: missense variant.
Genome position (GRCh38, 1-based): chr16:1,562,059, C>T on the plus strand (G>A on the coding strand, the complement: IFT140 is on the minus strand). VCF-style: chr16-1562059-C-T. GRCh37 (hg19) VCF-style: chr16-1612060-C-T.
Other names: short protein forms E709K.
Identifiers: ClinVar variation 2119970 (VCV002119970.4), dbSNP rs2507201776, ClinGen allele CA394203651.